The following is an entry in ClinVar:

NM_000061.3(BTK):c.884T>C (p.Leu295Pro)

Gene: BTK (Bruton tyrosine kinase; minus strand). Cytogenetic location: Xq22.1.
Variant type: single nucleotide variant.
Coding change: c.884T>C on transcript NM_000061.3 (MANE Select); coding-DNA position 884, T replaced by C.
Protein change: p.Leu295Pro; replaces leucine 295 with proline.
Molecular consequence: missense variant.
Genome position (GRCh38, 1-based): chrX:101,359,303, A>G on the plus strand (T>C on the coding strand, the complement: BTK is on the minus strand). VCF-style: chrX-101359303-A-G. GRCh37 (hg19) VCF-style: chrX-100614291-A-G.
Other names: c.986T>C, p.Leu329Pro (NM_001287344.2); c.884T>C, p.Leu295Pro (NM_001287345.2); short protein forms L295P, L329P.
Identifiers: ClinVar variation 969941 (VCV000969941.10), dbSNP rs1926588125, ClinGen allele CA413929728.

ClinVar aggregate classification (germline): Likely pathogenic (1 of 4 stars; one submission).

Conditions:
X-linked agammaglobulinemia with growth hormone deficiency (IGHD3). Also called: FLEISHER SYNDROME; HYPOGAMMAGLOBULINEMIA AND ISOLATED GROWTH HORMONE DEFICIENCY, X-LINKED; IGHD III; Isolated growth hormone deficiency type 3; Growth hormone deficiency with hypogammaglobulinemia; AGAMMAGLOBULINEMIA AND ISOLATED GROWTH HORMONE DEFICIENCY, X-LINKED. Identifiers: Orphanet 231692, Orphanet 631, MedGen C0472813, MONDO:0010615, OMIM 307200.

Submission:

Labcorp Genetics (formerly Invitae), Labcorp
Classification: Likely pathogenic for X-linked agammaglobulinemia with growth hormone deficiency. Last evaluated: 2019-10-09. Review status: criteria provided, single submitter. Criteria: Invitae Variant Classification Sherloc (09022015). Collection method: clinical testing. Allele origin: germline.
Comment: This variant has been observed in individuals affected with clinical features of X-linked agammaglobulinemia (PMID: 8723128, 9445504, Invitae). This variant is not present in population databases (ExAC no frequency). This sequence change replaces leucine with proline at codon 295 of the BTK protein (p.Leu295Pro). The leucine residue is highly conserved and there is a moderate physicochemical difference between leucine and proline. This variant has been reported to affect BTK protein function (PMID: 11206059). In summary, the currently available evidence indicates that the variant is pathogenic, but additional data are needed to prove that conclusively. Therefore, this variant has been classified as Likely Pathogenic.

Literature cited by the submitters: PubMed 8723128; PubMed 9445504; PubMed 11206059.